The following is an entry in ClinVar:

ClinVar aggregate classification (germline): Uncertain significance (1 of 4 stars; one submission).

Submission:

Ambry Genetics
Classification: Uncertain significance. Last evaluated: 2025-05-02. Review status: criteria provided, single submitter. Criteria: Ambry Variant Classification Scheme 2023. Collection method: clinical testing. Allele origin: germline.
Comment: The p.T29P variant (also known as c.85A>C), located in coding exon 2 of the RECQL gene, results from an A to C substitution at nucleotide position 85. The threonine at codon 29 is replaced by proline, an amino acid with highly similar properties. This amino acid position is conserved. In addition, this alteration is predicted to be tolerated by in silico analysis. Since supporting evidence is limited at this time, the clinical significance of this alteration remains unclear.

NM_002907.4(RECQL):c.85A>C (p.Thr29Pro)

Gene: RECQL (RecQ like helicase; minus strand). Cytogenetic location: 12p12.1.
Variant type: single nucleotide variant.
Coding change: c.85A>C on transcript NM_002907.4 (MANE Select); coding-DNA position 85, A replaced by C.
Protein change: p.Thr29Pro; replaces threonine 29 with proline.
Molecular consequence: missense variant.
Genome position (GRCh38, 1-based): chr12:21,491,648, T>G on the plus strand (A>C on the coding strand, the complement: RECQL is on the minus strand). VCF-style: chr12-21491648-T-G. GRCh37 (hg19) VCF-style: chr12-21644582-T-G.
Other names: c.85A>C, p.Thr29Pro (NM_032941.3); short protein forms T29P.
Identifiers: ClinVar variation 1763992 (VCV001763992.3), dbSNP rs2540405511, ClinGen allele CA384134598.